The following is an entry in ClinVar:

ClinVar aggregate classification (germline): Uncertain significance (1 of 4 stars; one submission).

Submission:

Labcorp Genetics (formerly Invitae), Labcorp
Classification: Uncertain significance. Last evaluated: 2022-03-11. Review status: criteria provided, single submitter. Criteria: Invitae Variant Classification Sherloc (09022015). Collection method: clinical testing. Allele origin: germline.
Comment: This sequence change replaces threonine, which is neutral and polar, with alanine, which is neutral and non-polar, at codon 145 of the ERCC6 protein (p.Thr145Ala). In summary, the available evidence is currently insufficient to determine the role of this variant in disease. Therefore, it has been classified as a Variant of Uncertain Significance. This variant is not present in population databases (gnomAD no frequency). This variant has not been reported in the literature in individuals affected with ERCC6-related conditions. Algorithms developed to predict the effect of missense changes on protein structure and function output the following: SIFT: "Deleterious"; PolyPhen-2: "Benign"; Align-GVGD: "Class C0". The alanine amino acid residue is found in multiple mammalian species, which suggests that this missense change does not adversely affect protein function.

NM_000124.4(ERCC6):c.433A>G (p.Thr145Ala)

Gene: ERCC6 (ERCC excision repair 6, chromatin remodeling factor; minus strand). Cytogenetic location: 10q11.23.
Variant type: single nucleotide variant.
Coding change: c.433A>G on transcript NM_000124.4 (MANE Select); coding-DNA position 433, A replaced by G.
Protein change: p.Thr145Ala; replaces threonine 145 with alanine.
Molecular consequence: missense variant.
Genome position (GRCh38, 1-based): chr10:49,530,830, T>C on the plus strand (A>G on the coding strand, the complement: ERCC6 is on the minus strand). VCF-style: chr10-49530830-T-C. GRCh37 (hg19) VCF-style: chr10-50738876-T-C.
Other names: c.433A>G, p.Thr145Ala (NM_001277058.2, NM_001277059.2, NM_001346440.2); short protein forms T145A.
Identifiers: ClinVar variation 2415495 (VCV002415495.5), dbSNP rs2496167423, ClinGen allele CA376710714.